The following is an entry in ClinVar:

NM_024678.6(NARS2):c.1312G>C (p.Gly438Arg)

Gene: NARS2 (asparaginyl-tRNA synthetase 2, mitochondrial; minus strand). Cytogenetic location: 11q14.1.
Variant type: single nucleotide variant.
Coding change: c.1312G>C on transcript NM_024678.6 (MANE Select); coding-DNA position 1312, G replaced by C.
Protein change: p.Gly438Arg; replaces glycine 438 with arginine.
Molecular consequence: missense variant. On other transcripts: 3 prime UTR variant (1), non-coding transcript variant (4).
Genome position (GRCh38, 1-based): chr11:78,436,792, C>G on the plus strand (G>C on the coding strand, the complement: NARS2 is on the minus strand). VCF-style: chr11-78436792-C-G. GRCh37 (hg19) VCF-style: chr11-78147838-C-G.
Other names: c.631G>C, p.Gly211Arg (NM_001243251.2, NM_001425312.1, NM_001425313.1); c.1435G>C, p.Gly479Arg (NM_001425299.1); c.1285G>C, p.Gly429Arg (NM_001425300.1); c.1240G>C, p.Gly414Arg (NM_001425301.1); c.1231G>C, p.Gly411Arg (NM_001425302.1); c.1204G>C, p.Gly402Arg (NM_001425303.1); c.1174G>C, p.Gly392Arg (NM_001425304.1); c.*1175G>C (NM_001425305.1); and 7 more; short protein forms G202R, G211R, G221R, G252R, G348R, G361R, G362R, G368R.
Identifiers: ClinVar variation 4531363 (VCV004531363.1).

ClinVar aggregate classification (germline): Uncertain significance (1 of 4 stars; one submission).

Conditions:
Combined oxidative phosphorylation defect type 24. Also called: Combined oxidative phosphorylation deficiency 24. Identifiers: Orphanet 444458, MedGen C4015643, MONDO:0014547, OMIM 616239.

gnomAD v4.1: 4 of 1,614,006 alleles (0.00025%); highest among the groups gnomAD compares: Non-Finnish European, 0.00034%; no homozygotes.

Submission:

Victorian Clinical Genetics Services, Murdoch Childrens Research Institute
Classification: Uncertain significance for Combined oxidative phosphorylation defect type 24. Last evaluated: 2025-07-24. Review status: criteria provided, single submitter. Criteria: ACMG Guidelines, 2015. Collection method: clinical testing. Allele origin: germline. Affected: yes.
Comment: This variant is classified as VUS-3A. Evidence in support of pathogenic classification: Variant is present in gnomAD <0.01 for a recessive condition (v4: 4 heterozygote(s), 0 homozygote(s)) ; Missense variant predicted to be damaging by in silico tool(s) or highly conserved with a major amino acid change. Additional information: Variant is predicted to result in a missense amino acid change from Gly to Arg; This variant is heterozygous; This gene is associated with autosomal recessive disease; Alternative amino acid change(s) at the same position are present in gnomAD (Highest alelle count: v4: 1 heterozygote(s), 0 homozygote(s)) ; This variant has no previous evidence of pathogenicity; No published evidence of segregation with disease has been identified for this variant; No published functional evidence has been identified for this variant; No comparable missense variants have previous evidence for pathogenicity; Variant is located in the annotated tRNA synthetases class II domain (DECIPHER); Loss of function is a known mechanism of disease in this gene and is associated with combined oxidative phosphorylation deficiency 24 (MIM#616239).